The following is an entry in ClinVar:

NM_015057.5(MYCBP2):c.8146C>T (p.Arg2716Ter)

Gene: MYCBP2 (MYC binding protein 2; minus strand). Cytogenetic location: 13q22.3.
Variant type: single nucleotide variant.
Coding change: c.8146C>T on transcript NM_015057.5 (MANE Select); coding-DNA position 8146, C replaced by T.
Protein change: p.Arg2716Ter; replaces arginine 2716 with a stop codon.
Molecular consequence: nonsense.
Genome position (GRCh38, 1-based): chr13:77,099,008, G>A on the plus strand (C>T on the coding strand, the complement: MYCBP2 is on the minus strand). VCF-style: chr13-77099008-G-A. GRCh37 (hg19) VCF-style: chr13-77673143-G-A.
Other names: short protein forms R2716*.
Identifiers: ClinVar variation 3572747 (VCV003572747.2).

ClinVar aggregate classification (germline): Uncertain significance (1 of 4 stars; one submission).

gnomAD v4.1: 1 of 1,604,636 alleles (0.000062%); no homozygotes.

Submission:

GeneDx
Classification: Uncertain significance. Last evaluated: 2025-12-04. Review status: criteria provided, single submitter. Criteria: GeneDx Variant Classification Process June 2021. Collection method: clinical testing. Allele origin: germline.
Comment: Nonsense variant predicted to result in protein truncation or nonsense mediated decay in a gene for which loss of function is a known mechanism of disease; Has not been previously published as pathogenic or benign to our knowledge